The following is an entry in ClinVar:

NM_022124.6(CDH23):c.4408G>A (p.Val1470Ile)

Gene: CDH23 (cadherin related 23; plus strand). Cytogenetic location: 10q22.1.
Variant type: single nucleotide variant.
Coding change: c.4408G>A on transcript NM_022124.6 (MANE Select); coding-DNA position 4408, G replaced by A.
Protein change: p.Val1470Ile; replaces valine 1470 with isoleucine.
Molecular consequence: missense variant.
Genome position (GRCh38, 1-based): chr10:71,739,692, G>A. VCF-style: chr10-71739692-G-A. GRCh37 (hg19) VCF-style: chr10-73499449-G-A.
Other names: c.4408G>A (NM_022124.5); short protein forms V1470I.
Identifiers: ClinVar variation 2052901 (VCV002052901.4), dbSNP rs775538505, ClinGen allele CA5545040.
Genomic context (GRCh38, chr10:71,739,692, plus strand): 5'-TTCTCCCCACAGGTGGTCTTCTCCCTGGCCTCTGGCAACATCGCGGGGGCCTTTGAGATC[G>A]TCACCACCAATGACTCCATTGGCGAAGTGTTTGTGGCCAGGCCCCTGGACAGAGAAGAGC-3'
Protein context (NP_071407.4, residues 1460-1480): SGNIAGAFEI[Val1470Ile]TTNDSIGEVF

ClinVar aggregate classification (germline): Conflicting classifications of pathogenicity. Review status: criteria provided, conflicting classifications (1 of 4 stars). 2 submissions from 2 submitters: Uncertain significance (1); Likely benign (1). Last evaluated 2024-12-09.

Conditions:
Inborn genetic diseases. Identifiers: MedGen C0950123, MeSH D030342.

Allele frequency attached by ClinVar (database versions not stated): gnomAD exomes 0.00002; gnomAD 0.00004; ExAC 0.00008; TOPMed 0.00009.
gnomAD v4.1: 40 of 1,613,216 alleles (0.0025%); highest among the groups gnomAD compares: Admixed American, 0.025%; no homozygotes.

Submissions (2):

Labcorp Genetics (formerly Invitae), Labcorp
Classification: Uncertain significance. Last evaluated: 2024-12-09. Review status: criteria provided, single submitter. Criteria: Invitae Variant Classification Sherloc (09022015). Collection method: clinical testing. Allele origin: germline.
Comment: This sequence change replaces valine, which is neutral and non-polar, with isoleucine, which is neutral and non-polar, at codon 1470 of the CDH23 protein (p.Val1470Ile). This variant is present in population databases (rs775538505, gnomAD 0.04%). This missense change has been observed in individual(s) with CDH23-related conditions (internal data). ClinVar contains an entry for this variant (Variation ID: 2052901). An algorithm developed to predict the effect of missense changes on protein structure and function outputs the following: PolyPhen-2: "Not Available". The isoleucine amino acid residue is found in multiple mammalian species, which suggests that this missense change does not adversely affect protein function. In summary, the available evidence is currently insufficient to determine the role of this variant in disease. Therefore, it has been classified as a Variant of Uncertain Significance.

Ambry Genetics
Classification: Likely benign for Inborn genetic diseases. Last evaluated: 2023-01-26. Review status: criteria provided, single submitter. Criteria: Ambry Variant Classification Scheme 2023. Collection method: clinical testing. Allele origin: germline.